The following is an entry in ClinVar:

NM_032608.7(MYO18B):c.2940C>T (p.Tyr980=)

Gene: MYO18B (myosin XVIIIB; plus strand). Cytogenetic location: 22q12.1.
Variant type: single nucleotide variant.
Coding change: c.2940C>T on transcript NM_032608.7 (MANE Select); coding-DNA position 2940, C replaced by T.
Protein change: p.Tyr980=; no amino-acid change (tyrosine 980 retained).
Molecular consequence: synonymous variant.
Genome position (GRCh38, 1-based): chr22:25,828,929, C>T. VCF-style: chr22-25828929-C-T. GRCh37 (hg19) VCF-style: chr22-26224896-C-T.
Other names: c.2940C>T, p.Tyr980= (NM_001318245.2).
Identifiers: ClinVar variation 1664844 (VCV001664844.10), dbSNP rs746885257, ClinGen allele CA10160374.

ClinVar aggregate classification (germline): Likely benign. Review status: criteria provided, multiple submitters, no conflicts (2 of 4 stars). 2 submissions from 2 submitters: Likely benign (2). Last evaluated 2026-06-01.

Allele frequency attached by ClinVar (database versions not stated): gnomAD 0.00001; TOPMed 0.00006; ExAC 0.00015; gnomAD exomes 0.00018.
gnomAD v4.1: 51 of 1,613,908 alleles (0.0032%); highest among the groups gnomAD compares: Admixed American, 0.082%; no homozygotes.

Submissions (2):

CeGaT Center for Human Genetics Tuebingen
Classification: Likely benign. Last evaluated: 2026-06-01. Review status: criteria provided, single submitter. Criteria: CeGaT Center For Human Genetics Tuebingen Variant Classification Criteria Version 2. Collection method: clinical testing. Allele origin: germline. Affected: yes. Observed: 1 variant allele.
Comment: MYO18B: BP4, BP7

Labcorp Genetics (formerly Invitae), Labcorp
Classification: Likely benign. Last evaluated: 2025-12-20. Review status: criteria provided, single submitter. Criteria: Invitae Variant Classification Sherloc (09022015). Collection method: clinical testing. Allele origin: germline.